The following is an entry in ClinVar:

NM_001036.6(RYR3):c.8516-5C>T

Gene: RYR3 (ryanodine receptor 3; plus strand). Cytogenetic location: 15q14.
Variant type: single nucleotide variant.
Coding change: c.8516-5C>T on transcript NM_001036.6 (MANE Select); 5 bases into the intron before coding-DNA position 8516, C replaced by T.
Molecular consequence: intron variant.
Genome position (GRCh38, 1-based): chr15:33,756,301, C>T. VCF-style: chr15-33756301-C-T. GRCh37 (hg19) VCF-style: chr15-34048502-C-T.
Other names: c.8516-5C>T (NM_001243996.4).
Identifiers: ClinVar variation 531167 (VCV000531167.16), dbSNP rs111370716, ClinGen allele CA7460240.

ClinVar aggregate classification (germline): Conflicting classifications of pathogenicity. Review status: criteria provided, conflicting classifications (1 of 4 stars). 2 submissions from 2 submitters: Uncertain significance (1); Likely benign (1). Last evaluated 2025-04-01.

Conditions:
Epileptic encephalopathy. Identifiers: MedGen C0543888, HP:0200134.

Allele frequency attached by ClinVar (database versions not stated): gnomAD exomes 0.00007 and 0.00008; TOPMed 0.00008; gnomAD 0.00011; 1000 Genomes Project 30x 0.00016; ExAC 0.00017; 1000 Genomes Project 0.00020.
gnomAD v4.1: 122 of 1,570,574 alleles (0.0078%); highest among the groups gnomAD compares: East Asian, 0.042%; no homozygotes.

Submissions (2):

CeGaT Center for Human Genetics Tuebingen
Classification: Uncertain significance. Last evaluated: 2025-04-01. Review status: criteria provided, single submitter. Criteria: CeGaT Center For Human Genetics Tuebingen Variant Classification Criteria Version 2. Collection method: clinical testing. Allele origin: germline. Affected: yes. Observed: 1 variant allele.
Comment: RYR3: PM2, BP4

Labcorp Genetics (formerly Invitae), Labcorp
Classification: Likely benign for Epileptic encephalopathy. Last evaluated: 2020-08-02. Review status: criteria provided, single submitter. Criteria: Invitae Variant Classification Sherloc (09022015). Collection method: clinical testing. Allele origin: germline.